The following is an entry in ClinVar:

NM_001184.4(ATR):c.4153-21dup

Gene: ATR (ATR checkpoint kinase; minus strand). Cytogenetic location: 3q23.
Variant type: Duplication.
Coding change: c.4153-21dup on transcript NM_001184.4 (MANE Select); 21 bases into the intron before coding-DNA position 4153, one base duplicated (T; older notation c.4153-21dupT).
Molecular consequence: intron variant.
Genome position (GRCh38, 1-based): chr3:142,522,851, A duplicated on the plus strand (T on the coding strand, the reverse complement: ATR is on the minus strand); the first of 12 consecutive A bases (chr3:142,522,851-142,522,862); duplicating any one gives the same sequence. VCF-style (leftmost placement, unchanged base first): chr3-142522850-G-GA. GRCh37 (hg19) VCF-style: chr3-142241692-G-GA.
Other names: c.4153-10dup (NM_001184.4); c.3961-21dup (NM_001354579.2); c.4153-10dupT (NM_001184.3).
Identifiers: ClinVar variation 195738 (VCV000195738.15), dbSNP rs112116713, ClinGen allele CA201920.
Genomic context (GRCh38, chr3:142,522,850, plus strand): 5'-TTGTTAGCTCCATCAATAATCCATAGGCAAAGCTTGAATCTTCTACTCCAGTCTCAATCA[G>GA]AAAAAAAAAAAAGAAAATTCCAGGATAACTGCTATAAATTTTCTTAGGTGTACTGCTTTT-3'

ClinVar aggregate classification (germline): Benign/Likely benign. Review status: criteria provided, multiple submitters, no conflicts (2 of 4 stars). 6 submissions from 6 submitters: Benign (4); Likely benign (2). Last evaluated 2026-01-31.

Conditions:
Hereditary cancer-predisposing syndrome. Also called: Tumor predisposition; Neoplastic Syndromes, Hereditary; Hereditary Cancer Syndrome; Hereditary neoplastic syndrome. Identifiers: Orphanet 140162, MedGen C0027672, MeSH D009386, MONDO:0015356.

Submissions (6):

Labcorp Genetics (formerly Invitae), Labcorp
Classification: Benign. Last evaluated: 2026-01-31. Review status: criteria provided, single submitter. Criteria: Invitae Variant Classification Sherloc (09022015). Collection method: clinical testing. Allele origin: germline.

GeneKor MSA
Classification: Benign for Hereditary cancer-predisposing syndrome. Last evaluated: 2025-07-10. Review status: criteria provided, single submitter. Criteria: ACMG Guidelines, 2015. Collection method: clinical testing. Allele origin: germline.

Blueprint Genetics
Classification: Likely benign. Last evaluated: 2024-11-26. Review status: criteria provided, single submitter. Criteria: ACMG Guidelines, 2015. Collection method: clinical testing. Allele origin: germline.

GeneDx
Classification: Likely benign. Last evaluated: 2019-08-10. Review status: criteria provided, single submitter. Criteria: GeneDx Variant Classification Process June 2021. Collection method: clinical testing. Allele origin: germline. Affected: yes.

Women's Health and Genetics/Laboratory Corporation of America, LabCorp
Classification: Benign. Last evaluated: 2016-04-27. Review status: criteria provided, single submitter. Criteria: LabCorp Variant Classification Summary - May 2015. Collection method: clinical testing. Allele origin: germline.
Comment: Variant summary: The c.4153-10dupT variant affects a non-conserved intronic nucleotide. Mutation taster predicts benign outcome for this variant. 5/5 programs in Alamut predict that this variant does not affect normal splicing. This variant is found in 20106/81728 control chromosomes at a frequency of 0.2460112, which is about 393618 times of the maximal expected frequency of a pathogenic allele (0.0000006), suggesting this variant is benign. In addition, one clinical laboratory classified this variant as benign. Taken together, this variant was classified as Benign.

Eurofins Ntd Llc (ga)
Classification: Benign. Last evaluated: 2014-11-14. Review status: criteria provided, single submitter. Criteria: EGL Classification Definitions. Collection method: clinical testing. Allele origin: germline. Observed: 1 variant allele, 1 heterozygote.